The following is an entry in ClinVar:

NM_004006.3(DMD):c.1892T>C (p.Leu631Pro)

Gene: DMD (dystrophin; minus strand). Cytogenetic location: Xp21.1.
Variant type: single nucleotide variant.
Coding change: c.1892T>C on transcript NM_004006.3 (MANE Select); coding-DNA position 1892, T replaced by C.
Protein change: p.Leu631Pro; replaces leucine 631 with proline.
Molecular consequence: missense variant.
Genome position (GRCh38, 1-based): chrX:32,565,802, A>G on the plus strand (T>C on the coding strand, the complement: DMD is on the minus strand). VCF-style: chrX-32565802-A-G. GRCh37 (hg19) VCF-style: chrX-32583919-A-G.
Other names: c.1868T>C, p.Leu623Pro (NM_000109.4); c.1880T>C, p.Leu627Pro (NM_004009.3); c.1523T>C, p.Leu508Pro (NM_004010.3); short protein forms L627P, L631P, L508P, L623P.
Identifiers: ClinVar variation 2889803 (VCV002889803.3), dbSNP rs2526585309, ClinGen allele CA412672740.

ClinVar aggregate classification (germline): Uncertain significance (1 of 4 stars; one submission).

Conditions:
Duchenne muscular dystrophy (DMD). Also called: MUSCULAR DYSTROPHY, PSEUDOHYPERTROPHIC PROGRESSIVE, DUCHENNE TYPE; Duchenne Muscular Dystrophy (DMD). Identifiers: Orphanet 98896, MedGen C0013264, MONDO:0010679, OMIM 310200.

Submission:

Labcorp Genetics (formerly Invitae), Labcorp
Classification: Uncertain significance for Duchenne muscular dystrophy. Last evaluated: 2025-09-23. Review status: criteria provided, single submitter. Criteria: Invitae Variant Classification Sherloc (09022015). Collection method: clinical testing. Allele origin: germline.
Comment: This sequence change replaces leucine, which is neutral and non-polar, with proline, which is neutral and non-polar, at codon 631 of the DMD protein (p.Leu631Pro). This variant is not present in population databases (gnomAD no frequency). This variant has not been reported in the literature in individuals affected with DMD-related conditions. ClinVar contains an entry for this variant (Variation ID: 2889803). Invitae Evidence Modeling of protein sequence and biophysical properties (such as structural, functional, and spatial information, amino acid conservation, physicochemical variation, residue mobility, and thermodynamic stability) indicates that this missense variant is not expected to disrupt DMD protein function with a negative predictive value of 95%. In summary, the available evidence is currently insufficient to determine the role of this variant in disease. Therefore, it has been classified as a Variant of Uncertain Significance.